The following is an entry in ClinVar:

NM_000492.4(CFTR):c.3307A>G (p.Ile1103Val)

Genes: CFTR (CF transmembrane conductance regulator; plus strand), CFTR-AS2 (CFTR antisense RNA 2; minus strand), LOC111674472 (DNase I hypersensitive sites in introns 16 and 17a of CFTR; plus strand). Cytogenetic location: 7q31.2.
Variant type: single nucleotide variant.
Coding change: c.3307A>G on transcript NM_000492.4 (MANE Select); coding-DNA position 3307, A replaced by G.
Protein change: p.Ile1103Val; replaces isoleucine 1103 with valine.
Molecular consequence: missense variant.
Genome position (GRCh38, 1-based): chr7:117,611,748, A>G. VCF-style: chr7-117611748-A-G. GRCh37 (hg19) VCF-style: chr7-117251802-A-G.
Other names: short protein forms I1103V.
Identifiers: ClinVar variation 3266694 (VCV003266694.1).
Genomic context (GRCh38, chr7:117,611,748, plus strand): 5'-AATTTACATACTGCCAACTGGTTCTTGTACCTGTCAACACTGCGCTGGTTCCAAATGAGA[A>G]TAGAAATGATTTTTGTCATCTTCTTCATTGCTGTTACCTTCATTTCCATTTTAACAACAG-3'
Protein context (NP_000483.3, residues 1093-1113): LSTLRWFQMR[Ile1103Val]EMIFVIFFIA

ClinVar aggregate classification (germline): Uncertain significance (1 of 4 stars; one submission).

Conditions:
Cystic fibrosis (CF). Also called: MUCOVISCIDOSIS. Identifiers: Orphanet 586, MedGen C0010674, MONDO:0009061, OMIM 219700. Disease mechanism: loss of function.

gnomAD v4.1: 1 of 1,613,544 alleles (0.000062%); highest among the groups gnomAD compares: Non-Finnish European, 0.000085%; no homozygotes.

Submission:

Ambry Genetics
Classification: Uncertain significance for Cystic fibrosis. Last evaluated: 2024-06-02. Review status: criteria provided, single submitter. Criteria: Ambry Variant Classification Scheme 2023. Collection method: clinical testing. Allele origin: germline.
Comment: The p.I1103V variant (also known as c.3307A>G), located in coding exon 20 of the CFTR gene, results from an A to G substitution at nucleotide position 3307. The isoleucine at codon 1103 is replaced by valine, an amino acid with highly similar properties. This amino acid position is conserved. In addition, the in silico prediction for this alteration is inconclusive. Based on the available evidence, the clinical significance of this variant remains unclear.